The following is an entry in ClinVar:

ClinVar aggregate classification (germline): Conflicting classifications of pathogenicity. Review status: criteria provided, conflicting classifications (1 of 4 stars). 4 submissions from 4 submitters: Uncertain significance (1); Likely benign (3). Last evaluated 2025-07-05.

Conditions:
Hereditary breast ovarian cancer syndrome. Also called: Hereditary breast and ovarian cancer syndrome; Hereditary breast and/or ovarian cancer syndrome; BRCA1- and BRCA2-Associated Hereditary Breast and Ovarian Cancer; Hereditary breast and ovarian cancer syndrome (HBOC); Hereditary breast and ovarian cancer; Breast and ovarian cancer. Identifiers: Orphanet 145, MedGen C0677776, MeSH D061325, MONDO:0003582. Disease mechanism: loss of function.
Breast-ovarian cancer, familial, susceptibility to, 2 (BROVCA2). Also called: BRCA2 Hereditary Breast and Ovarian Cancer. Identifiers: Orphanet 145, MedGen C2675520, MONDO:0012933, OMIM 612555. Disease mechanism: loss of function.
Hereditary cancer-predisposing syndrome. Also called: Hereditary neoplastic syndrome; Neoplastic Syndromes, Hereditary; Tumor predisposition; Hereditary Cancer Syndrome. Identifiers: Orphanet 140162, MedGen C0027672, MeSH D009386, MONDO:0015356.

Allele frequency attached by ClinVar (database versions not stated): gnomAD exomes below 0.00001; gnomAD 0.00001.

Submissions (4):

Ambry Genetics
Classification: Uncertain significance for Hereditary cancer-predisposing syndrome. Last evaluated: 2025-07-05. Review status: criteria provided, single submitter. Criteria: Ambry Variant Classification Scheme 2023. Collection method: clinical testing. Allele origin: germline.
Comment: The p.R1570K variant (also known as c.4709G>A), located in coding exon 10 of the BRCA2 gene, results from a G to A substitution at nucleotide position 4709. The arginine at codon 1570 is replaced by lysine, an amino acid with highly similar properties. This amino acid position is not well conserved in available vertebrate species. In addition, this alteration is predicted to be tolerated by in silico analysis. Since supporting evidence is limited at this time, the clinical significance of this alteration remains unclear.

Labcorp Genetics (formerly Invitae), Labcorp
Classification: Likely benign for Hereditary breast ovarian cancer syndrome. Last evaluated: 2025-06-08. Review status: criteria provided, single submitter. Criteria: Invitae Variant Classification Sherloc (09022015). Collection method: clinical testing. Allele origin: germline.

Myriad Genetics, Inc.
Classification: Likely benign for Breast-ovarian cancer, familial, susceptibility to, 2. Last evaluated: 2024-10-25. Review status: criteria provided, single submitter. Criteria: Myriad Autosomal Dominant, Autosomal Recessive and X-Linked Classification Criteria (2023). Collection method: clinical testing. Allele origin: unknown.
Comment: This variant is considered likely benign. This variant is strongly associated with less severe personal and family histories of cancer, typical for individuals without pathogenic variants in this gene [PMID: 25085752].

University of Washington Department of Laboratory Medicine, University of Washington
Classification: Likely benign for Hereditary cancer-predisposing syndrome. Last evaluated: 2023-03-23. Review status: criteria provided, single submitter. Criteria: Dines et al. (Genet Med. 2020). Collection method: curation. Allele origin: germline.
Comment: Missense variant in a coldspot region where missense variants are very unlikely to be pathogenic (PMID:31911673).

BRCA2 exon 11 coldspot. Reclassification based on statistical prior probability.

Literature cited by the submitters: PubMed 25085752 (cited by Myriad Genetics, Inc.).

NM_000059.4(BRCA2):c.4709G>A (p.Arg1570Lys)

Gene: BRCA2 (BRCA2 DNA repair associated; plus strand). Cytogenetic location: 13q13.1.
Variant type: single nucleotide variant.
Coding change: c.4709G>A on transcript NM_000059.4 (MANE Select); coding-DNA position 4709, G replaced by A.
Protein change: p.Arg1570Lys; replaces arginine 1570 with lysine.
Molecular consequence: missense variant.
Genome position (GRCh38, 1-based): chr13:32,339,064, G>A. VCF-style: chr13-32339064-G-A. GRCh37 (hg19) VCF-style: chr13-32913201-G-A.
Other names: short protein forms R1570K.
Identifiers: ClinVar variation 409571 (VCV000409571.16), dbSNP rs1060502472, ClinGen allele CA16613974.